The following is an entry in ClinVar:

ClinVar aggregate classification (germline): Uncertain significance. Review status: criteria provided, multiple submitters, no conflicts (2 of 4 stars). 2 submissions from 2 submitters: Uncertain significance (2). Last evaluated 2024-07-20.

Conditions:
Familial thoracic aortic aneurysm and aortic dissection (TAAD). Also called: Thoracic aortic aneurysms and dissections. Identifiers: Orphanet 91387, MedGen C4707243, MONDO:0019625.
Ehlers-Danlos syndrome, type 4 (EDSVASC). Also called: Ehlers-Danlos syndrome vascular type; Ehlers Danlos syndrome, ecchymotic type; Ehlers Danlos syndrome, arterial type; Ehlers Danlos syndrome, Sack-Barabas type; Ehlers-Danlos Syndrome Type IV. Identifiers: Orphanet 286, MedGen C0268338, MONDO:0017314, OMIM 130050.

Allele frequency attached by ClinVar (database versions not stated): TOPMed below 0.00001; gnomAD 0.00001.
gnomAD v4.1: 1 of 1,613,996 alleles (0.000062%); highest among the groups gnomAD compares: Admixed American, 0.0017%; no homozygotes.

Submissions (2):

All of Us Research Program, National Institutes of Health
Classification: Uncertain significance for Ehlers-Danlos syndrome, type 4. Last evaluated: 2024-07-20. Review status: criteria provided, single submitter. Criteria: ACMG Guidelines, 2015. Collection method: clinical testing. Allele origin: germline. Inheritance: Autosomal dominant inheritance. Observed: 1 variant allele, 1 heterozygote.
Comment: This missense variant replaces serine with asparagine at codon 1274 of the COL3A1 protein. Computational prediction tools and conservation analyses suggest that this variant may have deleterious impact on the protein function. Computational splicing tools suggest that this variant may not impact RNA splicing. To our knowledge, functional assays have not been performed for this variant nor has this variant been reported in individuals affected with cardiovascular disorders in the literature. This variant has not been identified in the general population by the Genome Aggregation Database (gnomAD). Available evidence is insufficient to determine the role of this variant in disease conclusively. Therefore, this variant is classified as a Variant of Uncertain Significance.

This study involves interpretation of variants in research participants for the purpose of population health screening. Participant phenotype was not available at the time of variant classification. Additional details can be found in publication PMID: 35346344, PMCID: PMC8962531

Color Diagnostics, LLC DBA Color Health
Classification: Uncertain significance for Familial thoracic aortic aneurysm and aortic dissection. Last evaluated: 2024-07-03. Review status: criteria provided, single submitter. Criteria: ACMG Guidelines, 2015. Collection method: clinical testing. Allele origin: germline.
Comment: This missense variant replaces serine with asparagine at codon 1274 of the COL3A1 protein. Computational prediction tools indicate that this variant's impact on protein structure and function is inconclusive. To our knowledge, functional studies have not been reported for this variant. This variant has not been reported in individuals affected with COL3A1-related disorders in the literature. This variant has not been identified in the general population by the Genome Aggregation Database (gnomAD). The available evidence is insufficient to determine the role of this variant in disease conclusively. Therefore, this variant is classified as a Variant of Uncertain Significance.

NM_000090.4(COL3A1):c.3821G>A (p.Ser1274Asn)

Gene: COL3A1 (collagen type III alpha 1 chain; plus strand). Cytogenetic location: 2q32.2.
Variant type: single nucleotide variant.
Coding change: c.3821G>A on transcript NM_000090.4 (MANE Select); coding-DNA position 3821, G replaced by A.
Protein change: p.Ser1274Asn; replaces serine 1274 with asparagine.
Molecular consequence: missense variant.
Genome position (GRCh38, 1-based): chr2:189,009,219, G>A. VCF-style: chr2-189009219-G-A. GRCh37 (hg19) VCF-style: chr2-189873945-G-A.
Other names: short protein forms S1274N.
Identifiers: ClinVar variation 927770 (VCV000927770.5), dbSNP rs1688666675, ClinGen allele CA349847912.